The following is an entry in ClinVar:

ClinVar aggregate classification (germline): Uncertain significance (1 of 4 stars; one submission).

gnomAD v4.1: 2 of 1,613,878 alleles (0.00012%); highest among the groups gnomAD compares: Non-Finnish European, 0.00017%; no homozygotes.

Submission:

Labcorp Genetics (formerly Invitae), Labcorp
Classification: Uncertain significance. Last evaluated: 2025-08-13. Review status: criteria provided, single submitter. Criteria: Invitae Variant Classification Sherloc (09022015). Collection method: clinical testing. Allele origin: germline.
Comment: This sequence change replaces histidine, which is basic and polar, with arginine, which is basic and polar, at codon 264 of the TNNI3K protein (p.His264Arg). This variant is present in population databases (no rsID available, gnomAD 0.0009%). This variant has not been reported in the literature in individuals affected with TNNI3K-related conditions. ClinVar contains an entry for this variant (Variation ID: 3678070). Invitae Evidence Modeling of protein sequence and biophysical properties (such as structural, functional, and spatial information, amino acid conservation, physicochemical variation, residue mobility, and thermodynamic stability) indicates that this missense variant is not expected to disrupt TNNI3K protein function with a negative predictive value of 80%. In summary, the available evidence is currently insufficient to determine the role of this variant in disease. Therefore, it has been classified as a Variant of Uncertain Significance.

NM_015978.3(TNNI3K):c.791A>G (p.His264Arg)

Genes: TNNI3K (TNNI3 interacting kinase; plus strand), FPGT-TNNI3K (FPGT-TNNI3K readthrough; plus strand). Cytogenetic location: 1p31.1.
Variant type: single nucleotide variant.
Coding change: c.791A>G on transcript NM_015978.3 (MANE Select); coding-DNA position 791, A replaced by G.
Protein change: p.His264Arg; replaces histidine 264 with arginine.
Molecular consequence: missense variant.
Genome position (GRCh38, 1-based): chr1:74,342,950, A>G. VCF-style: chr1-74342950-A-G. GRCh37 (hg19) VCF-style: chr1-74808634-A-G.
Other names: c.1094A>G, p.His365Arg (NM_001112808.3, NM_001199327.2); short protein forms H264R, H365R.
Identifiers: ClinVar variation 3678070 (VCV003678070.2).